The following is an entry in ClinVar:

ClinVar aggregate classification (germline): Uncertain significance. Review status: criteria provided, multiple submitters, no conflicts (2 of 4 stars). 2 submissions from 2 submitters: Uncertain significance (2). Last evaluated 2026-07-01.

Conditions:
Familial thoracic aortic aneurysm and aortic dissection (TAAD). Also called: Thoracic aortic aneurysms and dissections. Identifiers: Orphanet 91387, MedGen C4707243, MONDO:0019625.
Marfan syndrome (MFS). Also called: Marfan syndrome type 1; Marfan's syndrome; MARFAN SYNDROME, TYPE I; FBN1-Related Marfan Syndrome; Marfan syndrome, classic. Identifiers: Orphanet 284963, Orphanet 558, MedGen C0024796, MONDO:0007947, OMIM 154700.

Submissions (2):

Ambry Genetics
Classification: Uncertain significance for Familial thoracic aortic aneurysm and aortic dissection. Last evaluated: 2026-07-01. Review status: criteria provided, single submitter. Criteria: Ambry Variant Classification Scheme 2023. Collection method: clinical testing. Allele origin: germline.
Comment: The p.D530Y variant (also known as c.1588G>T), located in coding exon 12 of the FBN1 gene, results from a G to T substitution at nucleotide position 1588. The amino acid change results in aspartic acid to tyrosine at codon 530, an amino acid with highly dissimilar properties. However, this change occurs in the last base pair of coding exon 12, which makes it likely to have some effect on normal mRNA splicing. This variant was reported in individual(s) with features consistent with Marfan syndrome (Ambry internal data). This nucleotide position is highly conserved in available vertebrate species. This amino acid position is highly conserved in available vertebrate species. In silico splice site analysis predicts that this alteration will weaken the native splice donor site. RNA studies have demonstrated that this variant results in abnormal splicing in the set of samples tested (Ambry internal data). In addition, as a missense substitution this is predicted to be deleterious by in silico analysis. Based on the available evidence, the clinical significance of this variant remains unclear.

Labcorp Genetics (formerly Invitae), Labcorp
Classification: Uncertain significance for Marfan syndrome; Familial thoracic aortic aneurysm and aortic dissection. Last evaluated: 2025-08-05. Review status: criteria provided, single submitter. Criteria: Invitae Variant Classification Sherloc (09022015). Collection method: clinical testing. Allele origin: germline.
Comment: This sequence change replaces aspartic acid, which is acidic and polar, with tyrosine, which is neutral and polar, at codon 530 of the FBN1 protein (p.Asp530Tyr). This variant also falls at the last nucleotide of exon 13, which is part of the consensus splice site for this exon. This variant is not present in population databases (gnomAD no frequency). This variant has not been reported in the literature in individuals affected with FBN1-related conditions. ClinVar contains an entry for this variant (Variation ID: 3757095). An algorithm developed to predict the effect of missense changes on protein structure and function (PolyPhen-2) suggests that this variant is likely to be disruptive. Variants that disrupt the consensus splice site are a relatively common cause of aberrant splicing (PMID: 17576681, 9536098). Algorithms developed to predict the effect of sequence changes on RNA splicing suggest that this variant may disrupt the consensus splice site. This variant disrupts the p.Asp530 amino acid residue in FBN1. Other variant(s) that disrupt this residue have been determined to be pathogenic (PMID: 31211624; internal data). This suggests that this residue is clinically significant, and that variants that disrupt this residue are likely to be disease-causing. In summary, the available evidence is currently insufficient to determine the role of this variant in disease. Therefore, it has been classified as a Variant of Uncertain Significance.

Literature cited by the submitters: PubMed 17576681 (cited by Labcorp Genetics (formerly Invitae), Labcorp); PubMed 9536098 (cited by Labcorp Genetics (formerly Invitae), Labcorp); PubMed 31211624 (cited by Labcorp Genetics (formerly Invitae), Labcorp).

NM_000138.5(FBN1):c.1588G>T (p.Asp530Tyr)

Gene: FBN1 (fibrillin 1; minus strand). Cytogenetic location: 15q21.1.
Variant type: single nucleotide variant.
Coding change: c.1588G>T on transcript NM_000138.5 (MANE Select); coding-DNA position 1588, G replaced by T.
Protein change: p.Asp530Tyr; replaces aspartic acid 530 with tyrosine.
Molecular consequence: missense variant.
Genome position (GRCh38, 1-based): chr15:48,513,549, C>A on the plus strand (G>T on the coding strand, the complement: FBN1 is on the minus strand). VCF-style: chr15-48513549-C-A. GRCh37 (hg19) VCF-style: chr15-48805746-C-A.
Other names: c.1588G>T, p.Asp530Tyr (NM_001406716.1); short protein forms D530Y.
Identifiers: ClinVar variation 3757095 (VCV003757095.3).